The following is an entry in ClinVar:

ClinVar aggregate classification (germline): Uncertain significance (1 of 4 stars; one submission).

Conditions:
Neuroblastoma, susceptibility to, 3. Also called: ALK-Related Neuroblastic Tumor Susceptibility. Identifiers: Orphanet 635, MedGen C2751681, MONDO:0013083, OMIM 613014.

Allele frequency attached by ClinVar (database versions not stated): gnomAD exomes below 0.00001; 1000 Genomes Project 30x 0.00016.
gnomAD v4.1: 1 of 1,612,946 alleles (0.000062%); highest among the groups gnomAD compares: Non-Finnish European, 0.000085%; no homozygotes.

Submission:

Labcorp Genetics (formerly Invitae), Labcorp
Classification: Uncertain significance for Neuroblastoma, susceptibility to, 3. Last evaluated: 2023-02-14. Review status: criteria provided, single submitter. Criteria: Invitae Variant Classification Sherloc (09022015). Collection method: clinical testing. Allele origin: germline.
Comment: This sequence change replaces serine, which is neutral and polar, with glycine, which is neutral and non-polar, at codon 53 of the ALK protein (p.Ser53Gly). This variant is not present in population databases (gnomAD no frequency). This variant has not been reported in the literature in individuals affected with ALK-related conditions. Algorithms developed to predict the effect of missense changes on protein structure and function are either unavailable or do not agree on the potential impact of this missense change (SIFT: "Deleterious"; PolyPhen-2: "Probably Damaging"; Align-GVGD: "Class C0"). In summary, the available evidence is currently insufficient to determine the role of this variant in disease. Therefore, it has been classified as a Variant of Uncertain Significance.

NM_004304.5(ALK):c.157A>G (p.Ser53Gly)

Gene: ALK (ALK receptor tyrosine kinase; minus strand). Cytogenetic location: 2p23.1.
Variant type: single nucleotide variant.
Coding change: c.157A>G on transcript NM_004304.5 (MANE Select); coding-DNA position 157, A replaced by G.
Protein change: p.Ser53Gly; replaces serine 53 with glycine.
Molecular consequence: missense variant.
Genome position (GRCh38, 1-based): chr2:29,920,503, T>C on the plus strand (A>G on the coding strand, the complement: ALK is on the minus strand). VCF-style: chr2-29920503-T-C. GRCh37 (hg19) VCF-style: chr2-30143369-T-C.
Other names: short protein forms S53G.
Identifiers: ClinVar variation 2877448 (VCV002877448.3), dbSNP rs2148443779, ClinGen allele CA346590585.